The following is an entry in ClinVar:

ClinVar aggregate classification (germline): Uncertain significance (1 of 4 stars; one submission).

Conditions:
LEPR-related disorder. Also called: LEPR-related disorders; LEPR-related condition.

gnomAD v4.1: 12 of 1,613,658 alleles (0.00074%); highest among the groups gnomAD compares: South Asian, 0.013%; no homozygotes.

Submission:

PreventionGenetics, part of Exact Sciences
Classification: Uncertain significance for LEPR-related condition. Last evaluated: 2026-06-10. Review status: criteria provided, single submitter. Criteria: ACMG Guidelines, 2015. Collection method: clinical testing. Allele origin: germline.
Comment: The LEPR c.1651A>T variant is predicted to result in the amino acid substitution p.Ile551Phe. To our knowledge, this variant has not been reported in the literature. This variant is reported in 0.0065% of alleles in individuals of South Asian descent in gnomAD. At this time, the clinical significance of this variant is uncertain due to the absence of conclusive functional and genetic evidence.

NM_002303.6(LEPR):c.1651A>T (p.Ile551Phe)

Gene: LEPR (leptin receptor; plus strand). Cytogenetic location: 1p31.3.
Variant type: single nucleotide variant.
Coding change: c.1651A>T on transcript NM_002303.6 (MANE Select); coding-DNA position 1651, A replaced by T.
Protein change: p.Ile551Phe; replaces isoleucine 551 with phenylalanine.
Molecular consequence: missense variant.
Genome position (GRCh38, 1-based): chr1:65,608,800, A>T. VCF-style: chr1-65608800-A-T. GRCh37 (hg19) VCF-style: chr1-66074483-A-T.
Other names: c.1651A>T, p.Ile551Phe (NM_001003679.3, NM_001003680.3, NM_001198687.2 and 2 more transcripts); short protein forms I551F.
Identifiers: ClinVar variation 4984989 (VCV004984989.1).
Genomic context (GRCh38, chr1:65,608,800, plus strand): 5'-TAAAAATTTCTAGTGAAGCCACTGCCTCCATCCAGTGTGAAAGCAGAAATTACTATAAAC[A>T]TTGGATTATTGAAAATATCTTGGGAAAAGCCAGTCTTTCCAGAGAATAACCTTCAATTCC-3'
Protein context (NP_002294.2, residues 541-561): SSVKAEITIN[Ile551Phe]GLLKISWEKP